The following is an entry in ClinVar:

ClinVar aggregate classification (germline): Uncertain significance (1 of 4 stars; one submission).

Conditions:
Hereditary cancer-predisposing syndrome. Also called: Neoplastic Syndromes, Hereditary; Tumor predisposition; Hereditary Cancer Syndrome; Hereditary neoplastic syndrome. Identifiers: Orphanet 140162, MedGen C0027672, MeSH D009386, MONDO:0015356.

Submission:

Ambry Genetics
Classification: Uncertain significance for Hereditary cancer-predisposing syndrome. Last evaluated: 2022-10-05. Review status: criteria provided, single submitter. Criteria: Ambry Variant Classification Scheme 2023. Collection method: clinical testing. Allele origin: germline.
Comment: The p.F256V variant (also known as c.766T>G), located in coding exon 8 of the NF2 gene, results from a T to G substitution at nucleotide position 766. The phenylalanine at codon 256 is replaced by valine, an amino acid with highly similar properties. This amino acid position is conserved. In addition, this alteration is predicted to be deleterious by in silico analysis. Since supporting evidence is limited at this time, the clinical significance of this alteration remains unclear.

NM_000268.4(NF2):c.766T>G (p.Phe256Val)

Gene: NF2 (NF2, moesin-ezrin-radixin like (MERLIN) tumor suppressor; plus strand). Cytogenetic location: 22q12.2.
Variant type: single nucleotide variant.
Coding change: c.766T>G on transcript NM_000268.4 (MANE Select); coding-DNA position 766, T replaced by G.
Protein change: p.Phe256Val; replaces phenylalanine 256 with valine.
Molecular consequence: missense variant. On other transcripts: non-coding transcript variant (1), intron variant (1).
Genome position (GRCh38, 1-based): chr22:29,661,295, T>G. VCF-style: chr22-29661295-T-G. GRCh37 (hg19) VCF-style: chr22-30057284-T-G.
Other names: c.652T>G, p.Phe218Val (NM_001407053.1, NM_001407056.1); c.643T>G, p.Phe215Val (NM_001407054.1, NM_001407058.1, NM_181829.3); c.640T>G, p.Phe214Val (NM_001407055.1, NM_181828.3); c.766T>G, p.Phe256Val (NM_001407060.1, NM_001407066.1, NM_016418.5 and 2 more transcripts); c.517T>G, p.Phe173Val (NM_001407063.1, NM_001407064.1, NM_181830.3 and 1 more transcripts); c.232T>G, p.Phe78Val (NM_001407065.1); c.535T>G, p.Phe179Val (NM_001407067.1); c.447+19010T>G (NM_181833.3); short protein forms F215V, F173V, F179V, F78V, F214V, F218V, F256V.
Identifiers: ClinVar variation 1760074 (VCV001760074.2), dbSNP rs1474769404, ClinGen allele CA411143977.
Genomic context (GRCh38, chr22:29,661,295, plus strand): 5'-GTGGATGCCCTGGGGCTTCACATTTATGACCCTGAGAACAGACTGACCCCCAAGATCTCC[T>G]TCCCGTGGAATGAAATCCGAAACATCTCGTACAGTGACAAGGAGGTAGGACATGTGTGTA-3'
Protein context (NP_000259.1, residues 246-266): PENRLTPKIS[Phe256Val]PWNEIRNISY